The following is an entry in ClinVar:

NM_015425.6(POLR1A):c.3048G>T (p.Gln1016His)

Gene: POLR1A (RNA polymerase I subunit A; minus strand). Cytogenetic location: 2p11.2.
Variant type: single nucleotide variant.
Coding change: c.3048G>T on transcript NM_015425.6 (MANE Select); coding-DNA position 3048, G replaced by T.
Protein change: p.Gln1016His; replaces glutamine 1016 with histidine.
Molecular consequence: missense variant.
Genome position (GRCh38, 1-based): chr2:86,044,226, C>A on the plus strand (G>T on the coding strand, the complement: POLR1A is on the minus strand). VCF-style: chr2-86044226-C-A. GRCh37 (hg19) VCF-style: chr2-86271349-C-A.
Other names: short protein forms Q1016H.
Identifiers: ClinVar variation 4809822 (VCV004809822.1).

ClinVar aggregate classification (germline): Uncertain significance (1 of 4 stars; one submission).

Submission:

Labcorp Genetics (formerly Invitae), Labcorp
Classification: Uncertain significance. Last evaluated: 2025-09-06. Review status: criteria provided, single submitter. Criteria: Invitae Variant Classification Sherloc (09022015). Collection method: clinical testing. Allele origin: germline.
Comment: This sequence change replaces glutamine, which is neutral and polar, with histidine, which is basic and polar, at codon 1016 of the POLR1A protein (p.Gln1016His). This variant is not present in population databases (gnomAD no frequency). This variant has not been reported in the literature in individuals affected with POLR1A-related conditions. Invitae Evidence Modeling of protein sequence and biophysical properties (such as structural, functional, and spatial information, amino acid conservation, physicochemical variation, residue mobility, and thermodynamic stability) indicates that this missense variant is expected to disrupt POLR1A protein function with a positive predictive value of 80%. In summary, the available evidence is currently insufficient to determine the role of this variant in disease. Therefore, it has been classified as a Variant of Uncertain Significance.